The following is an entry in ClinVar:

NM_017654.4(SAMD9):c.1731_1732delinsAT (p.Cys577_Val578delinsTer)

Gene: SAMD9 (sterile alpha motif domain containing 9; minus strand). Cytogenetic location: 7q21.2.
Variant type: Indel.
Coding change: c.1731_1732delinsAT on transcript NM_017654.4 (MANE Select); coding-DNA positions 1731 to 1732, TG replaced by AT.
Protein change: p.Cys577_Val578delinsTer.
Molecular consequence: nonsense.
Genome position (GRCh38, 1-based): chr7:93,104,366-93,104,367, CA replaced by AT on the plus strand (TG replaced by AT on the coding strand, the reverse complement: SAMD9 is on the minus strand). VCF-style: chr7-93104366-CA-AT. GRCh37 (hg19) VCF-style: chr7-92733679-CA-AT.
Other names: c.1731_1732delinsAT, p.Cys577_Val578delinsTer (NM_001193307.2).
Identifiers: ClinVar variation 5003374 (VCV005003374.1).

ClinVar aggregate classification (germline): Uncertain significance (1 of 4 stars; one submission).

Conditions:
Normophosphatemic familial tumoral calcinosis. Also called: CALCINOSIS, TUMORAL, WITH NORMOPHOSPHATEMIA. Identifiers: Orphanet 306658, Orphanet 53715, MedGen C1864861, MONDO:0012502, OMIM 610455.

Submission:

Myriad Genetics, Inc.
Classification: Uncertain significance for Normophosphatemic familial tumoral calcinosis. Last evaluated: 2026-02-24. Review status: criteria provided, single submitter. Criteria: Myriad Autosomal Dominant, Autosomal Recessive and X-Linked Classification Criteria (2023). Collection method: clinical testing. Allele origin: unknown.
Comment: NM_017654.3(SAMD9):c.1731_1732delTGinsAT(C577*) is a nonsense variant classified as a variant of uncertain significance in the context of normophosphatemic familial tumoral calcinosis. C577* has not been observed in cases with relevant disease. Relevant functional assessments of this variant are not available in the literature. C577* has not been observed in referenced population frequency databases. In summary, there is insufficient evidence to classify NM_017654.3(SAMD9):c.1731_1732delTGinsAT(C577*) as pathogenic or benign. Please note: this variant was assessed in the context of healthy population screening.